The following is an entry in ClinVar:

NM_030948.6(PHACTR1):c.1300A>G (p.Lys434Glu)

Gene: PHACTR1 (phosphatase and actin regulator 1; plus strand). Cytogenetic location: 6p24.1.
Variant type: single nucleotide variant.
Coding change: c.1300A>G on transcript NM_030948.6 (MANE Select); coding-DNA position 1300, A replaced by G.
Protein change: p.Lys434Glu; replaces lysine 434 with glutamic acid.
Molecular consequence: missense variant.
Genome position (GRCh38, 1-based): chr6:13,230,102, A>G. VCF-style: chr6-13230102-A-G. GRCh37 (hg19) VCF-style: chr6-13230334-A-G.
Other names: c.1300A>G, p.Lys434Glu (NM_001242648.4, NM_001322308.3, NM_001322309.3 and 1 more transcripts); c.1507A>G, p.Lys503Glu (NM_001322310.2, NM_001374582.1); c.1024A>G, p.Lys342Glu (NM_001322311.2, NM_001322312.3, NM_001374583.2); c.1231A>G, p.Lys411Glu (NM_001322313.2); c.1510A>G, p.Lys504Glu (NM_001322314.4); short protein forms K342E, K411E, K434E, K503E, K504E.
Identifiers: ClinVar variation 2635484 (VCV002635484.1), dbSNP rs2548200019, ClinGen allele CA362862092.

ClinVar aggregate classification (germline): Uncertain significance (1 of 4 stars; one submission).

Conditions:
PHACTR1-related disorder. Also called: PHACTR1-related condition.

Submission:

PreventionGenetics, part of Exact Sciences
Classification: Uncertain significance for PHACTR1-related condition. Last evaluated: 2022-11-10. Review status: criteria provided, single submitter. Criteria: ACMG Guidelines, 2015. Collection method: clinical testing. Allele origin: germline.
Comment: The PHACTR1 c.1510A>G variant is predicted to result in the amino acid substitution p.Lys504Glu. To our knowledge, this variant has not been reported in the literature or in a large population database, indicating this variant is rare. At this time, the clinical significance of this variant is uncertain due to the absence of conclusive functional and genetic evidence.